The following is an entry in ClinVar:

ClinVar aggregate classification (germline): Benign/Likely benign. Review status: criteria provided, multiple submitters, no conflicts (2 of 4 stars). 10 submissions from 10 submitters: Benign (4); Likely benign (4). 2 of the submissions do not count toward it. Last evaluated 2026-09-01.

Conditions:
CTNNA1-related disorder. Also called: CTNNA1-related condition.
Patterned macular dystrophy 2. Identifiers: Orphanet 99001, MedGen C1837029, MONDO:0012162, OMIM 608970.
Hereditary cancer-predisposing syndrome. Also called: Hereditary neoplastic syndrome; Hereditary Cancer Syndrome; Neoplastic Syndromes, Hereditary; Tumor predisposition. Identifiers: Orphanet 140162, MedGen C0027672, MeSH D009386, MONDO:0015356.
Hereditary diffuse gastric adenocarcinoma (HDGC). Also called: DIFFUSE GASTRIC AND LOBULAR BREAST CANCER SYNDROME. Identifiers: Orphanet 26106, MedGen C1708349, MONDO:0007648, OMIM 137215.

Allele frequency attached by ClinVar (database versions not stated): ExAC 0.00452; gnomAD exomes 0.00462 and 0.00449; 1000 Genomes Project 0.00260; 1000 Genomes Project 30x 0.00281; TOPMed 0.00292; ESP Exome Variant Server 0.00346; gnomAD 0.00402 and 0.00414.
gnomAD v4.1: 7,113 of 1,614,158 alleles (0.44%); highest among the groups gnomAD compares: Non-Finnish European, 0.46%; 38 homozygotes.

Submissions (10):

CeGaT Center for Human Genetics Tuebingen
Classification: Likely benign. Last evaluated: 2026-09-01. Review status: criteria provided, single submitter. Criteria: CeGaT Center For Human Genetics Tuebingen Variant Classification Criteria Version 2. Collection method: clinical testing. Allele origin: germline. Affected: yes. Observed: 18 variant alleles.
Comment: CTNNA1: BS2

Labcorp Genetics (formerly Invitae), Labcorp
Classification: Benign. Last evaluated: 2026-02-04. Review status: criteria provided, single submitter. Criteria: Invitae Variant Classification Sherloc (09022015). Collection method: clinical testing. Allele origin: germline.

Mayo Clinic Laboratories, Mayo Clinic
Classification: Likely benign. Last evaluated: 2025-06-09. Review status: criteria provided, single submitter. Criteria: ACMG Guidelines, 2015. Collection method: clinical testing. Allele origin: germline. Observed: 1 variant allele.
Comment: BS1, BP4_moderate

Center for Genomic Medicine, Rigshospitalet, Copenhagen University Hospital
Classification: Likely benign. Last evaluated: 2025-03-04. Review status: criteria provided, single submitter. Criteria: ACMG Guidelines, 2015. Collection method: clinical testing. Allele origin: germline.

Myriad Genetics, Inc.
Classification: Benign for Hereditary diffuse gastric adenocarcinoma. Last evaluated: 2024-10-10. Review status: criteria provided, single submitter. Criteria: Myriad Autosomal Dominant, Autosomal Recessive and X-Linked Classification Criteria (2023). Collection method: clinical testing. Allele origin: unknown.
Comment: This variant is considered benign. Homozygosity has been confirmed in one or more individuals. As homozygosity for pathogenic variants in this gene is generally assumed to result in embryonic lethality, this variant is unlikely to be pathogenic. This variant has been observed at a population frequency that is significantly greater than expected given the associated disease prevalence and penetrance.

ARUP Laboratories, Molecular Genetics and Genomics, ARUP Laboratories
Classification: Benign for Patterned macular dystrophy 2. Last evaluated: 2023-10-11. Review status: criteria provided, single submitter. Criteria: ARUP Molecular Germline Variant Investigation Process 2024. Collection method: clinical testing. Allele origin: germline.

GeneDx
Classification: Benign. Last evaluated: 2021-04-30. Review status: criteria provided, single submitter. Criteria: GeneDx Variant Classification Process June 2021. Collection method: clinical testing. Allele origin: germline. Affected: yes.
Comment: This variant is associated with the following publications: (PMID: 11997091, 29177109)

Ambry Genetics
Classification: Likely benign for Hereditary cancer-predisposing syndrome. Last evaluated: 2018-09-14. Review status: criteria provided, single submitter. Criteria: Ambry Variant Classification Scheme 2023. Collection method: clinical testing. Allele origin: germline.

PreventionGenetics, part of Exact Sciences
Classification: Benign for CTNNA1-related condition. Last evaluated: 2019-07-22. Review status: no assertion criteria provided. Collection method: clinical testing. Allele origin: germline. Not counted in ClinVar's aggregate classification.
Comment: This variant is classified as benign based on ACMG/AMP sequence variant interpretation guidelines (Richards et al. 2015 PMID: 25741868, with internal and published modifications).

Department of Pathology and Laboratory Medicine, Sinai Health System
Classification: Likely benign. Review status: no assertion criteria provided. Collection method: clinical testing. Allele origin: unknown. Affected: yes. Study: The Canadian Open Genetics Repository (COGR). Not counted in ClinVar's aggregate classification.
Comment: The CTNNA1 p.Gln206His variant was identified in 1 of 572 proband chromosomes (frequency: 0.00175) from European families with diffuse gastric cancer (Weren_2018_PMID:29330337). The variant was identified in dbSNP (ID: rs150893072), ClinVar (classified as benign by Invitae), and LOVD 3.0. The variant was also identified in control databases in 1298 of 282710 chromosomes (13 homozygous) at a frequency of 0.004591 increasing the likelihood this could be a low frequency benign variant (Genome Aggregation Database Feb 27, 2017). The variant was observed in the following populations: European (Finnish) in 448 of 25122 chromosomes (freq: 0.01783), Other in 44 of 7224 chromosomes (freq: 0.006091), European (non-Finnish) in 723 of 129042 chromosomes (freq: 0.005603), Latino in 59 of 35424 chromosomes (freq: 0.001666), African in 23 of 24968 chromosomes (freq: 0.000921), South Asian in 1 of 30612 chromosomes (freq: 0.000033), while the variant was not observed in the Ashkenazi Jewish or East Asian populations. The p.Gln206 residue is conserved in mammals but not in more distantly related organisms, however four out of five computational analyses (PolyPhen-2, SIFT, AlignGVGD, BLOSUM, MutationTaster) do not suggest a high likelihood of impact to the protein; this information is not predictive enough to rule out pathogenicity. The variant occurs outside of the splicing consensus sequence and two of four in silico or computational prediction software programs (SpliceSiteFinder, MaxEntScan, NNSPLICE, GeneSplicer) predict a greater than 10% difference in splicing; this is not very predictive of pathogenicity. In summary, based on the above information the clinical significance of this variant cannot be determined with certainty at this time although we would lean towards a more benign role for this variant. This variant is classified as likely benign.

NM_001903.5(CTNNA1):c.618G>C (p.Gln206His)

Gene: CTNNA1 (catenin alpha 1; plus strand). Cytogenetic location: 5q31.2.
Variant type: single nucleotide variant.
Coding change: c.618G>C on transcript NM_001903.5 (MANE Select); coding-DNA position 618, G replaced by C.
Protein change: p.Gln206His; replaces glutamine 206 with histidine.
Molecular consequence: missense variant.
Genome position (GRCh38, 1-based): chr5:138,824,559, G>C. VCF-style: chr5-138824559-G-C. GRCh37 (hg19) VCF-style: chr5-138160248-G-C.
Other names: p.Gln206His; c.618G>C, p.Gln206His (NM_001290307.3, NM_001323982.2, NM_001323983.1 and 3 more transcripts); c.309G>C, p.Gln103His (NM_001290309.3); c.249G>C, p.Gln83His (NM_001290310.3); c.618G>C (NM_001903.4); short protein forms Q206H, Q103H, Q83H.
Identifiers: ClinVar variation 239067 (VCV000239067.47), dbSNP rs150893072, ClinGen allele CA3431512.
Genomic context (GRCh38, chr5:138,824,559, plus strand): 5'-CTCCAATTTCTTGTTTTATTTACTCTTGTAGGAATTGAAAGATGTTGGCCATCGTGATCA[G>C]ATGGCTGCAGCTAGAGGAATCCTGCAGAAGAACGTTCCGATCCTCTATACTGCATCCCAG-3'
Protein context (NP_001894.2, residues 196-216): QELKDVGHRD[Gln206His]MAAARGILQK